The following is an entry in ClinVar:

ClinVar aggregate classification (germline): Likely pathogenic (1 of 4 stars; one submission).

Conditions:
Dilated cardiomyopathy 1G (CMD1G). Identifiers: Orphanet 154, MedGen C1858763, MONDO:0011400, OMIM 604145.
Autosomal recessive limb-girdle muscular dystrophy type 2J (LGMDR10). Also called: Limb-girdle muscular dystrophy, type 2J; MUSCULAR DYSTROPHY, LIMB-GIRDLE, AUTOSOMAL RECESSIVE 10. Identifiers: Orphanet 140922, MedGen C1837342, MONDO:0012127, OMIM 608807.

Submission:

Labcorp Genetics (formerly Invitae), Labcorp
Classification: Likely pathogenic for Dilated cardiomyopathy 1G; Autosomal recessive limb-girdle muscular dystrophy type 2J. Last evaluated: 2025-03-26. Review status: criteria provided, single submitter. Criteria: Invitae Variant Classification Sherloc (09022015). Collection method: clinical testing. Allele origin: germline.
Comment: This sequence change creates a premature translational stop signal (p.Ile28044Tyrfs*7) in the TTN gene. While this is not anticipated to result in nonsense mediated decay, it is expected to create a truncated TTN protein. This variant is not present in population databases (gnomAD no frequency). This variant has not been reported in the literature in individuals affected with TTN-related conditions. This variant is located in the A band of TTN (PMID: 25589632). Truncating variants in this region are significantly overrepresented in patients affected with dilated cardiomyopathy (PMID: 25589632). Truncating variants in this region have also been reported in individuals affected with autosomal recessive centronuclear myopathy (PMID: 23975875). In summary, the currently available evidence indicates that the variant is pathogenic, but additional data are needed to prove that conclusively. Therefore, this variant has been classified as Likely Pathogenic.

Literature cited by the submitters: PubMed 25589632; PubMed 23975875.

NM_001267550.2(TTN):c.84130_84140del (p.Ile28044fs)

Genes: TTN (titin; minus strand), TTN-AS1 (TTN antisense RNA 1; plus strand). Cytogenetic location: 2q31.2.
Variant type: Deletion.
Coding change: c.84130_84140del on transcript NM_001267550.2 (MANE Select); coding-DNA positions 84130 to 84140, 11 bases deleted (ATAACAGTTCC).
Protein change: p.Ile28044fs; shifts the reading frame from isoleucine 28044.
Molecular consequence: frameshift variant.
Genome position (GRCh38, 1-based): chr2:178,561,992-178,562,002, GGAACTGTTAT deleted on the plus strand (ATAACAGTTCC on the coding strand, the reverse complement: TTN is on the minus strand); deleting any 11 consecutive bases within chr2:178,561,992-178,562,005 gives the same sequence; the c. name uses the placement nearest the transcript's 3' end. VCF-style (leftmost placement, unchanged base first): chr2-178561991-AGGAACTGTTAT-A. GRCh37 (hg19) VCF-style: chr2-179426718-AGGAACTGTTAT-A.
Other names: c.79207_79217del, p.Ile26403fs (NM_001256850.1); c.56935_56945del, p.Ile18979fs (NM_003319.4); c.76426_76436del, p.Ile25476fs (NM_133378.4); c.57310_57320del, p.Ile19104fs (NM_133432.3); c.57511_57521del, p.Ile19171fs (NM_133437.4); short protein forms I28044fs, I19104fs, I19171fs, I25476fs, I26403fs, I18979fs.
Identifiers: ClinVar variation 4784543 (VCV004784543.1).
Genomic context (GRCh38, chr2:178,561,991, plus strand): 5'-AACCTCATCAATACGTATAGGACCTGGAGGTCCTGGTCTGTCAAGGACAATTATAGTAAT[AGGAACTGTTAT>A]GGATCCAGCACTGTTTGAAACACATAATTCATAAGTTCCAACATCTTCCTTTGAAGCTTC-3'